The following is an entry in ClinVar:

NM_173598.6(KSR2):c.1150A>G (p.Thr384Ala)

Gene: KSR2 (kinase suppressor of ras 2; minus strand). Cytogenetic location: 12q24.22.
Variant type: single nucleotide variant.
Coding change: c.1150A>G on transcript NM_173598.6 (MANE Select); coding-DNA position 1150, A replaced by G.
Protein change: p.Thr384Ala; replaces threonine 384 with alanine.
Molecular consequence: missense variant.
Genome position (GRCh38, 1-based): chr12:117,667,495, T>C on the plus strand (A>G on the coding strand, the complement: KSR2 is on the minus strand). VCF-style: chr12-117667495-T-C. GRCh37 (hg19) VCF-style: chr12-118105300-T-C.
Other names: short protein forms T384A.
Identifiers: ClinVar variation 4993142 (VCV004993142.1).

ClinVar aggregate classification (germline): Uncertain significance (1 of 4 stars; one submission).

Conditions:
KSR2-related disorder. Also called: KSR2-related condition.

gnomAD v4.1: 2 of 1,611,602 alleles (0.00012%); highest among the groups gnomAD compares: Non-Finnish European, 0.00017%; no homozygotes.

Submission:

PreventionGenetics, part of Exact Sciences
Classification: Uncertain significance for KSR2-related condition. Last evaluated: 2025-08-12. Review status: criteria provided, single submitter. Criteria: ACMG Guidelines, 2015. Collection method: clinical testing. Allele origin: germline.
Comment: The KSR2 c.1063A>G variant is predicted to result in the amino acid substitution p.Thr355Ala. To our knowledge, this variant has not been reported in the literature or in a large population database (gnomAD), indicating this variant is rare. At this time, the clinical significance of this variant is uncertain due to the absence of conclusive functional and genetic evidence.